The following is an entry in ClinVar:

ClinVar aggregate classification (germline): Uncertain significance (1 of 4 stars; one submission).

Conditions:
Osteogenesis imperfecta type I (OI1). Also called: OI, TYPE I; OSTEOGENESIS IMPERFECTA TARDA; OSTEOGENESIS IMPERFECTA WITH BLUE SCLERAE; Osteogenesis imperfecta type 1; Classic Non-deforming Osteogenesis Imperfecta with Blue Sclerae; Lobstein's Disease. Identifiers: Orphanet 216796, Orphanet 666, MedGen C0023931, MONDO:0008146, OMIM 166200. Disease mechanism: loss of function.
Ehlers-Danlos syndrome, classic type, 1 (EDSCL1). Also called: EHLERS-DANLOS SYNDROME, GRAVIS TYPE; EHLERS-DANLOS SYNDROME, SEVERE CLASSIC TYPE; EDS I; Ehlers-Danlos Syndrome, Classic Type, COL5A1-Related; Ehlers-Danlos syndrome, type 1. Identifiers: MedGen C0268335, MONDO:0019567, OMIM 130000.

Allele frequency attached by ClinVar (database versions not stated): gnomAD exomes below 0.00001.
gnomAD v4.1: 1 of 1,614,150 alleles (0.000062%); highest among the groups gnomAD compares: Non-Finnish European, 0.000085%; no homozygotes.

Submission:

Labcorp Genetics (formerly Invitae), Labcorp
Classification: Uncertain significance for Osteogenesis imperfecta type I; Ehlers-Danlos syndrome, classic type, 1. Last evaluated: 2023-01-12. Review status: criteria provided, single submitter. Criteria: Invitae Variant Classification Sherloc (09022015). Collection method: clinical testing. Allele origin: germline.
Comment: This sequence change replaces proline, which is neutral and non-polar, with serine, which is neutral and polar, at codon 524 of the COL1A2 protein (p.Pro524Ser). This variant is not present in population databases (gnomAD no frequency). This variant has not been reported in the literature in individuals affected with COL1A2-related conditions. ClinVar contains an entry for this variant (Variation ID: 1025065). Advanced modeling of protein sequence and biophysical properties (such as structural, functional, and spatial information, amino acid conservation, physicochemical variation, residue mobility, and thermodynamic stability) performed at Invitae indicates that this missense variant is not expected to disrupt COL1A2 protein function. In summary, the available evidence is currently insufficient to determine the role of this variant in disease. Therefore, it has been classified as a Variant of Uncertain Significance.

NM_000089.4(COL1A2):c.1570C>T (p.Pro524Ser)

Gene: COL1A2 (collagen type I alpha 2 chain; plus strand). Cytogenetic location: 7q21.3.
Variant type: single nucleotide variant.
Coding change: c.1570C>T on transcript NM_000089.4 (MANE Select); coding-DNA position 1570, C replaced by T.
Protein change: p.Pro524Ser; replaces proline 524 with serine.
Molecular consequence: missense variant.
Genome position (GRCh38, 1-based): chr7:94,413,702, C>T. VCF-style: chr7-94413702-C-T. GRCh37 (hg19) VCF-style: chr7-94043014-C-T.
Other names: short protein forms P524S.
Identifiers: ClinVar variation 1025065 (VCV001025065.10), dbSNP rs1791979962, ClinGen allele CA368222126.